The following is an entry in ClinVar:

ClinVar aggregate classification (germline): Uncertain significance (1 of 4 stars; one submission).

Allele frequency attached by ClinVar (database versions not stated): gnomAD exomes 0.00001.
gnomAD v4.1: 5 of 1,613,964 alleles (0.00031%); highest among the groups gnomAD compares: South Asian, 0.0055%; no homozygotes.

Submission:

Labcorp Genetics (formerly Invitae), Labcorp
Classification: Uncertain significance. Last evaluated: 2023-05-22. Review status: criteria provided, single submitter. Criteria: Invitae Variant Classification Sherloc (09022015). Collection method: clinical testing. Allele origin: germline.
Comment: This sequence change replaces glutamic acid, which is acidic and polar, with glycine, which is neutral and non-polar, at codon 3948 of the HERC1 protein (p.Glu3948Gly). This variant is present in population databases (no rsID available, gnomAD 0.003%). This variant has not been reported in the literature in individuals affected with HERC1-related conditions. Advanced modeling of protein sequence and biophysical properties (such as structural, functional, and spatial information, amino acid conservation, physicochemical variation, residue mobility, and thermodynamic stability) performed at Invitae indicates that this missense variant is not expected to disrupt HERC1 protein function. In summary, the available evidence is currently insufficient to determine the role of this variant in disease. Therefore, it has been classified as a Variant of Uncertain Significance.

NM_003922.4(HERC1):c.11843A>G (p.Glu3948Gly)

Gene: HERC1 (HECT and RLD domain containing E3 ubiquitin protein ligase family member 1; minus strand). Cytogenetic location: 15q22.31.
Variant type: single nucleotide variant.
Coding change: c.11843A>G on transcript NM_003922.4 (MANE Select); coding-DNA position 11843, A replaced by G.
Protein change: p.Glu3948Gly; replaces glutamic acid 3948 with glycine.
Molecular consequence: missense variant.
Genome position (GRCh38, 1-based): chr15:63,640,210, T>C on the plus strand (A>G on the coding strand, the complement: HERC1 is on the minus strand). VCF-style: chr15-63640210-T-C. GRCh37 (hg19) VCF-style: chr15-63932409-T-C.
Other names: short protein forms E3948G.
Identifiers: ClinVar variation 2867052 (VCV002867052.3), dbSNP rs1361626731, ClinGen allele CA392743847.